The following is an entry in ClinVar:

ClinVar aggregate classification (germline): Uncertain significance (1 of 4 stars; one submission).

Conditions:
Inborn genetic diseases. Identifiers: MedGen C0950123, MeSH D030342.

gnomAD v4.1: 3 of 1,464,922 alleles (0.0002%); highest among the groups gnomAD compares: South Asian, 0.0013%; no homozygotes.

Submission:

Ambry Genetics
Classification: Uncertain significance for Inborn genetic diseases. Last evaluated: 2026-03-29. Review status: criteria provided, single submitter. Criteria: Ambry Variant Classification Scheme 2023. Collection method: clinical testing. Allele origin: germline.
Comment: The p.R94H variant (also known as c.281G>A), located in coding exon 1 of the SH2B3 gene, results from a G to A substitution at nucleotide position 281. The arginine at codon 94 is replaced by histidine, an amino acid with highly similar properties. This amino acid position is conserved. In addition, this alteration is predicted to be tolerated by in silico analysis. Based on the available evidence, the clinical significance of this variant remains unclear.

NM_005475.3(SH2B3):c.281G>A (p.Arg94His)

Gene: SH2B3 (SH2B adaptor protein 3; plus strand). Cytogenetic location: 12q24.12.
Variant type: single nucleotide variant.
Coding change: c.281G>A on transcript NM_005475.3 (MANE Select); coding-DNA position 281, G replaced by A.
Protein change: p.Arg94His; replaces arginine 94 with histidine.
Molecular consequence: missense variant.
Genome position (GRCh38, 1-based): chr12:111,418,426, G>A. VCF-style: chr12-111418426-G-A. GRCh37 (hg19) VCF-style: chr12-111856230-G-A.
Other names: short protein forms R94H.
Identifiers: ClinVar variation 4864401 (VCV004864401.1).